The following is an entry in ClinVar:

NM_000059.4(BRCA2):c.5466dup (p.Lys1823Ter)

Gene: BRCA2 (BRCA2 DNA repair associated; plus strand). Cytogenetic location: 13q13.1.
Variant type: Duplication.
Coding change: c.5466dup on transcript NM_000059.4 (MANE Select); coding-DNA position 5466, one base duplicated (T; older notation c.5466dupT).
Protein change: p.Lys1823Ter; replaces lysine 1823 with a stop codon.
Molecular consequence: nonsense.
Genome position (GRCh38, 1-based): chr13:32,339,821, T duplicated. VCF-style (leftmost placement, unchanged base first): chr13-32339820-A-AT. GRCh37 (hg19) VCF-style: chr13-32913957-A-AT.
Other names: 5694insT; c.5466dupT (NM_000059.3); short protein forms K1823*.
Identifiers: ClinVar variation 51866 (VCV000051866.4), dbSNP rs80359514, ClinGen allele CA022369.
Genomic context (GRCh38, chr13:32,339,820, plus strand): 5'-AAACTGTAAATGAAGATATTTGCGTTGAGGAACTTGTGACTAGCTCTTCACCCTGCAAAA[A>AT]TAAAAATGCAGCCATTAAATTGTCCATATCTAATAGTAATAATTTTGAGGTAGGGCCACC-3'

ClinVar aggregate classification (germline): Pathogenic. Review status: reviewed by expert panel (3 of 4 stars). 2 submissions from 2 submitters: Pathogenic (1). 1 of the submissions does not count toward it. Last evaluated 2016-09-08.

Conditions:
Breast-ovarian cancer, familial, susceptibility to, 2 (BROVCA2). Also called: BRCA2 Hereditary Breast and Ovarian Cancer. Identifiers: Orphanet 145, MedGen C2675520, MONDO:0012933, OMIM 612555. Disease mechanism: loss of function.

Submissions (2):

Evidence-based Network for the Interpretation of Germline Mutant Alleles (ENIGMA)
Classification: Pathogenic for Breast-ovarian cancer, familial, susceptibility to, 2. Last evaluated: 2016-09-08. Review status: reviewed by expert panel. Criteria: ENIGMA BRCA1/2 Classification Criteria (2015). Collection method: curation. Allele origin: germline.
Comment: Variant allele predicted to encode a truncated non-functional protein.

Breast Cancer Information Core (BIC) (BRCA2)
Classification: Pathogenic for Breast-ovarian cancer, familial 2. Review status: no assertion criteria provided. Collection method: clinical testing. Allele origin: germline. Affected: yes. Observed: 2 variant alleles. Not counted in ClinVar's aggregate classification.